The following is an entry in ClinVar:

ClinVar aggregate classification (germline): Uncertain significance (1 of 4 stars; one submission).

gnomAD v4.1: 6 of 1,613,826 alleles (0.00037%); highest among the groups gnomAD compares: Non-Finnish European, 0.00051%; no homozygotes.

Submission:

Labcorp Genetics (formerly Invitae), Labcorp
Classification: Uncertain significance. Last evaluated: 2025-08-07. Review status: criteria provided, single submitter. Criteria: Invitae Variant Classification Sherloc (09022015). Collection method: clinical testing. Allele origin: germline.
Comment: This sequence change replaces glycine, which is neutral and non-polar, with arginine, which is basic and polar, at codon 189 of the GHSR protein (p.Gly189Arg). This variant is present in population databases (no rsID available, gnomAD 0.002%). This variant has not been reported in the literature in individuals affected with GHSR-related conditions. Invitae Evidence Modeling of protein sequence and biophysical properties (such as structural, functional, and spatial information, amino acid conservation, physicochemical variation, residue mobility, and thermodynamic stability) indicates that this missense variant is not expected to disrupt GHSR protein function with a negative predictive value of 80%. In summary, the available evidence is currently insufficient to determine the role of this variant in disease. Therefore, it has been classified as a Variant of Uncertain Significance.

NM_198407.2(GHSR):c.565G>C (p.Gly189Arg)

Gene: GHSR (growth hormone secretagogue receptor; minus strand). Cytogenetic location: 3q26.31.
Variant type: single nucleotide variant.
Coding change: c.565G>C on transcript NM_198407.2 (MANE Select); coding-DNA position 565, G replaced by C.
Protein change: p.Gly189Arg; replaces glycine 189 with arginine.
Molecular consequence: missense variant.
Genome position (GRCh38, 1-based): chr3:172,447,849, C>G on the plus strand (G>C on the coding strand, the complement: GHSR is on the minus strand). VCF-style: chr3-172447849-C-G. GRCh37 (hg19) VCF-style: chr3-172165639-C-G.
Other names: c.565G>C, p.Gly189Arg (NM_004122.2); short protein forms G189R.
Identifiers: ClinVar variation 4694954 (VCV004694954.1).